The following is an entry in ClinVar:

NM_001105558.1(WEE2):c.402G>A (p.Lys134=)

Genes: WEE2 (WEE2 oocyte meiosis inhibiting kinase; plus strand), WEE2-AS1 (WEE2 antisense RNA 1; minus strand). Cytogenetic location: 7q34.
Variant type: single nucleotide variant.
Coding change: c.402G>A on transcript NM_001105558.1 (MANE Select); coding-DNA position 402, G replaced by A.
Protein change: p.Lys134=; no amino-acid change (lysine 134 retained).
Molecular consequence: synonymous variant. On other transcripts: non-coding transcript variant (1).
Genome position (GRCh38, 1-based): chr7:141,714,268, G>A. VCF-style: chr7-141714268-G-A. GRCh37 (hg19) VCF-style: chr7-141414068-G-A.
Identifiers: ClinVar variation 3043384 (VCV003043384.2), dbSNP rs781615743, ClinGen allele CA4518219.

ClinVar aggregate classification (germline): Likely benign (0 of 4 stars; one submission).

Conditions:
WEE2-related disorder. Also called: WEE2-related condition.

Allele frequency attached by ClinVar (database versions not stated): TOPMed below 0.00001; ExAC 0.00001; gnomAD 0.00001; gnomAD exomes 0.00001.
gnomAD v4.1: 27 of 1,613,738 alleles (0.0017%); highest among the groups gnomAD compares: Middle Eastern, 0.2%; no homozygotes.

Submission:

PreventionGenetics, part of Exact Sciences
Classification: Likely benign for WEE2-related condition. Last evaluated: 2019-07-02. Review status: no assertion criteria provided. Collection method: clinical testing. Allele origin: germline.
Comment: This variant is classified as likely benign based on ACMG/AMP sequence variant interpretation guidelines (Richards et al. 2015 PMID: 25741868, with internal and published modifications).